The following is an entry in ClinVar:

NM_001927.4(DES):c.286G>T (p.Ala96Ser)

Gene: DES (desmin; plus strand). Cytogenetic location: 2q35.
Variant type: single nucleotide variant.
Coding change: c.286G>T on transcript NM_001927.4 (MANE Select); coding-DNA position 286, G replaced by T.
Protein change: p.Ala96Ser; replaces alanine 96 with serine.
Molecular consequence: missense variant.
Genome position (GRCh38, 1-based): chr2:219,418,748, G>T. VCF-style: chr2-219418748-G-T. GRCh37 (hg19) VCF-style: chr2-220283470-G-T.
Other names: c.286G>T (LRG_380t1); short protein forms A96S.
Identifiers: ClinVar variation 263554 (VCV000263554.21), dbSNP rs201190593, ClinGen allele CA10587549.

ClinVar aggregate classification (germline): Uncertain significance. Review status: criteria provided, multiple submitters, no conflicts (2 of 4 stars). 4 submissions from 4 submitters: Uncertain significance (4). Last evaluated 2026-01-19.

Conditions:
Desmin-related myofibrillar myopathy (MFM1). Also called: Desminopathy; MYOFIBRILLAR MYOPATHY WITH ARRHYTHMOGENIC RIGHT VENTRICULAR CARDIOMYOPATHY; DESMIN-RELATED MYOPATHY WITH ARRHYTHMOGENIC RIGHT VENTRICULAR CARDIOMYOPATHY; Desmin related myopathy (former name); Desmin storage myopathy (former name); Myofibrillar myopathy 1. Identifiers: Orphanet 363543, Orphanet 98909, MedGen C1832370, MONDO:0011076, OMIM 601419.
Cardiovascular phenotype. Identifiers: MedGen CN230736.
Primary dilated cardiomyopathy (DCM). Also called: Dilated Cardiomyopathy. Identifiers: Orphanet 217604, MedGen C0007193, MeSH D002311, MONDO:0005021, HP:0001644. Inheritance: Various modes of inheritance.

Allele frequency attached by ClinVar (database versions not stated): TOPMed below 0.00001; gnomAD 0.00001; gnomAD exomes 0.00002 and below 0.00001; 1000 Genomes Project 0.00020; 1000 Genomes Project 30x 0.00047.
gnomAD v4.1: 8 of 1,561,588 alleles (0.00051%); highest among the groups gnomAD compares: East Asian, 0.012%; no homozygotes.

Submissions (4):

Labcorp Genetics (formerly Invitae), Labcorp
Classification: Uncertain significance for Desmin-related myofibrillar myopathy. Last evaluated: 2026-01-19. Review status: criteria provided, single submitter. Criteria: Invitae Variant Classification Sherloc (09022015). Collection method: clinical testing. Allele origin: germline.
Comment: This sequence change replaces alanine, which is neutral and non-polar, with serine, which is neutral and polar, at codon 96 of the DES protein (p.Ala96Ser). The frequency data for this variant in the population databases is considered unreliable, as metrics indicate poor data quality at this position in the gnomAD database. This variant has not been reported in the literature in individuals affected with DES-related conditions. ClinVar contains an entry for this variant (Variation ID: 263554). Invitae Evidence Modeling of protein sequence and biophysical properties (such as structural, functional, and spatial information, amino acid conservation, physicochemical variation, residue mobility, and thermodynamic stability) has been performed for this missense variant. However, the output from this modeling did not meet the statistical confidence thresholds required to predict the impact of this variant on DES protein function. In summary, the available evidence is currently insufficient to determine the role of this variant in disease. Therefore, it has been classified as a Variant of Uncertain Significance.

Clinical Center for Gene Diagnosis and Therapy, Department of Cardiovascular Surgery, The Second Xiangya Hospital of Central South University
Classification: Uncertain significance for Primary dilated cardiomyopathy. Last evaluated: 2023-06-01. Review status: criteria provided, single submitter. Criteria: ACMG Guidelines, 2015. Collection method: clinical testing. Allele origin: germline. Affected: yes.

Ambry Genetics
Classification: Uncertain significance for Cardiovascular phenotype. Last evaluated: 2022-08-25. Review status: criteria provided, single submitter. Criteria: Ambry Variant Classification Scheme 2023. Collection method: clinical testing. Allele origin: germline.
Comment: The p.A96S variant (also known as c.286G>T), located in coding exon 1 of the DES gene, results from a G to T substitution at nucleotide position 286. The alanine at codon 96 is replaced by serine, an amino acid with similar properties. This amino acid position is highly conserved in available vertebrate species. In addition, the in silico prediction for this alteration is inconclusive. Since supporting evidence is limited at this time, the clinical significance of this alteration remains unclear.

Athena Diagnostics
Classification: Uncertain significance. Last evaluated: 2019-06-27. Review status: criteria provided, single submitter. Criteria: Athena Diagnostics Criteria. Collection method: clinical testing. Allele origin: germline.